The following is an entry in ClinVar:

ClinVar aggregate classification (germline): Uncertain significance (1 of 4 stars; one submission).

Conditions:
X-linked distal spinal muscular atrophy type 3. Also called: ATP7A-Related Distal Motor Neuropathy; NEURONOPATHY, DISTAL HEREDITARY MOTOR, X-LINKED; NEUROPATHY, DISTAL HEREDITARY MOTOR, X-LINKED; SPINAL MUSCULAR ATROPHY, DISTAL, X-LINKED RECESSIVE. Identifiers: Orphanet 139557, MedGen C1845359, MONDO:0010338, OMIM 300489.
Menkes kinky-hair syndrome (MNK). Also called: Copper transport disease; Menkes Disease; Classic Menkes Disease. Identifiers: Orphanet 565, MedGen C0022716, MONDO:0010651, OMIM 309400.
Cutis laxa, X-linked (OHS). Also called: EDS IX; Occipital horn syndrome. Identifiers: Orphanet 198, MedGen C0268353, MONDO:0010572, OMIM 304150.

Submission:

Clinical Genomics Laboratory, Washington University in St. Louis
Classification: Uncertain significance for X-linked distal spinal muscular atrophy type 3; Cutis laxa, X-linked; Menkes kinky-hair syndrome. Last evaluated: 2026-05-06. Review status: criteria provided, single submitter. Criteria: ACMG Guidelines, 2015. Collection method: clinical testing. Allele origin: germline.
Comment: The ATP7A c.2499T>A (p.Ser833Arg) variant, to our knowledge, has not been reported in the medical literature. This variant is absent from the general population (gnomAD v4.1.1), indicating it is not a common variant. Computational predictors are uncertain as to the impact of this variant on ATP7A function. Another variant in the same codon, c.2497A>G (p.Ser833Gly), has been reported in one affected individual with OHS and is considered pathogenic (Kaler SG, PMID: 25281031; Skjørringe T et al., PMID: 21494555). However, this variant has been shown to activate a cryptic splice acceptor site in the downstream exon, resulting in aberrant splicing of the ATP7A transcript and a predicted mild loss of ATP7A activity. Aberrant splicing may therefore be the cause of the reduced activity of the OHS transgene demonstrated in functional studies of p.Ser833Gly (Mercer SW et al., PMID: 28119449). Due to limited information, and based on ACMG/AMP guidelines for variant interpretation (Richards S et al., PMID: 25741868), the clinical significance of this variant is uncertain at this time.

NM_000052.7(ATP7A):c.2499T>A (p.Ser833Arg)

Gene: ATP7A (ATPase copper transporting alpha; plus strand). Cytogenetic location: Xq21.1.
Variant type: single nucleotide variant.
Coding change: c.2499T>A on transcript NM_000052.7 (MANE Select); coding-DNA position 2499, T replaced by A.
Protein change: p.Ser833Arg; replaces serine 833 with arginine.
Molecular consequence: missense variant.
Genome position (GRCh38, 1-based): chrX:78,015,754, T>A. VCF-style: chrX-78015754-T-A. GRCh37 (hg19) VCF-style: chrX-77271251-T-A.
Other names: c.2265T>A, p.Ser755Arg (NM_001282224.2); short protein forms S755R, S833R.
Identifiers: ClinVar variation 4879524 (VCV004879524.1).